The following is an entry in ClinVar:

ClinVar aggregate classification (germline): Uncertain significance (1 of 4 stars; one submission).

Conditions:
Familial cancer of breast. Also called: Hereditary breast cancer; hereditary breast carcinoma; BREAST CANCER, FAMILIAL. Identifiers: Orphanet 227535, MedGen C0346153, MONDO:0016419, OMIM 114480. Disease mechanism: loss of function.

Submission:

Labcorp Genetics (formerly Invitae), Labcorp
Classification: Uncertain significance for Familial cancer of breast. Last evaluated: 2024-09-16. Review status: criteria provided, single submitter. Criteria: Invitae Variant Classification Sherloc (09022015). Collection method: clinical testing. Allele origin: germline.
Comment: This sequence change replaces glutamine, which is neutral and polar, with arginine, which is basic and polar, at codon 348 of the PALB2 protein (p.Gln348Arg). This variant is not present in population databases (gnomAD no frequency). This variant has not been reported in the literature in individuals affected with PALB2-related conditions. Invitae Evidence Modeling of protein sequence and biophysical properties (such as structural, functional, and spatial information, amino acid conservation, physicochemical variation, residue mobility, and thermodynamic stability) indicates that this missense variant is not expected to disrupt PALB2 protein function with a negative predictive value of 80%. In summary, the available evidence is currently insufficient to determine the role of this variant in disease. Therefore, it has been classified as a Variant of Uncertain Significance.

NM_024675.4(PALB2):c.1043A>G (p.Gln348Arg)

Gene: PALB2 (partner and localizer of BRCA2; minus strand). Cytogenetic location: 16p12.2.
Variant type: single nucleotide variant.
Coding change: c.1043A>G on transcript NM_024675.4 (MANE Select); coding-DNA position 1043, A replaced by G.
Protein change: p.Gln348Arg; replaces glutamine 348 with arginine.
Molecular consequence: missense variant. On other transcripts: intron variant (3).
Genome position (GRCh38, 1-based): chr16:23,635,503, T>C on the plus strand (A>G on the coding strand, the complement: PALB2 is on the minus strand). VCF-style: chr16-23635503-T-C. GRCh37 (hg19) VCF-style: chr16-23646824-T-C.
Other names: c.983A>G, p.Gln328Arg (NM_001407296.1); c.1043A>G, p.Gln348Arg (NM_001407297.1, NM_001407298.1, NM_001407299.1 and 3 more transcripts); c.158A>G, p.Gln53Arg (NM_001407304.1, NM_001407305.1, NM_001407306.1 and 5 more transcripts); c.48+5607A>G (NM_001407314.1); c.-104-5034A>G (NM_001407313.1, NM_001407312.1); short protein forms Q348R, Q53R, Q328R.
Identifiers: ClinVar variation 3675338 (VCV003675338.2).
Genomic context (GRCh38, chr16:23,635,503, plus strand): 5'-TTTTCATTCCTGCCATCAAGAGTGTCACTGGGAGATTTTAAAGATTTCTCTGTTTGATTT[T>C]GTTCTTTTAAGTTTTGGTTTTCATTTGCTGGTAAGTTATTGTAGGTGAGTTCATTTAGAG-3'
Protein context (NP_078951.2, residues 338-358): PANENQNLKE[Gln348Arg]NQTEKSLKSP